The following is an entry in ClinVar:

NM_004612.4(TGFBR1):c.847C>T (p.His283Tyr)

Gene: TGFBR1 (transforming growth factor beta receptor 1; plus strand). Cytogenetic location: 9q22.33.
Variant type: single nucleotide variant.
Coding change: c.847C>T on transcript NM_004612.4 (MANE Select); coding-DNA position 847, C replaced by T.
Protein change: p.His283Tyr; replaces histidine 283 with tyrosine.
Molecular consequence: missense variant. On other transcripts: non-coding transcript variant (4), intron variant (2).
Genome position (GRCh38, 1-based): chr9:99,142,577, C>T. VCF-style: chr9-99142577-C-T. GRCh37 (hg19) VCF-style: chr9-101904859-C-T.
Other names: c.616C>T, p.His206Tyr (NM_001130916.3, NM_001407435.1); c.859C>T, p.His287Tyr (NM_001306210.2); c.652C>T, p.His218Tyr (NM_001407418.1, NM_001407419.1, NM_001407420.1 and 1 more transcripts); c.640C>T, p.His214Tyr (NM_001407423.1, NM_001407424.1, NM_001407425.1 and 8 more transcripts); c.601C>T, p.His201Tyr (NM_001407436.1); c.139C>T, p.His47Tyr (NM_001407437.1); c.370C>T, p.His124Tyr (NM_001407438.1); c.818-2155C>T (NM_001407416.1); and 1 more; short protein forms H124Y, H283Y, H201Y, H214Y, H47Y, H206Y, H218Y, H287Y.
Identifiers: ClinVar variation 2884430 (VCV002884430.3), dbSNP rs2118777594, ClinGen allele CA374230577.

ClinVar aggregate classification (germline): Uncertain significance (1 of 4 stars; one submission).

Conditions:
Familial thoracic aortic aneurysm and aortic dissection (TAAD). Also called: Thoracic aortic aneurysms and dissections. Identifiers: Orphanet 91387, MedGen C4707243, MONDO:0019625.

Submission:

Labcorp Genetics (formerly Invitae), Labcorp
Classification: Uncertain significance for Familial thoracic aortic aneurysm and aortic dissection. Last evaluated: 2023-11-24. Review status: criteria provided, single submitter. Criteria: Invitae Variant Classification Sherloc (09022015). Collection method: clinical testing. Allele origin: germline.
Comment: This sequence change replaces histidine, which is basic and polar, with tyrosine, which is neutral and polar, at codon 283 of the TGFBR1 protein (p.His283Tyr). This variant is not present in population databases (gnomAD no frequency). This variant has not been reported in the literature in individuals affected with TGFBR1-related conditions. Advanced modeling of protein sequence and biophysical properties (such as structural, functional, and spatial information, amino acid conservation, physicochemical variation, residue mobility, and thermodynamic stability) performed at Invitae indicates that this missense variant is not expected to disrupt TGFBR1 protein function with a negative predictive value of 80%. This variant disrupts the p.His283 amino acid residue in TGFBR1. Other variant(s) that disrupt this residue have been determined to be pathogenic (PMID: 25326635, 27879313; Invitae). This suggests that this residue is clinically significant, and that variants that disrupt this residue are likely to be disease-causing. In summary, the available evidence is currently insufficient to determine the role of this variant in disease. Therefore, it has been classified as a Variant of Uncertain Significance.

Literature cited by the submitters: PubMed 25326635; PubMed 27879313.